The following is an entry in ClinVar:

NM_003924.4(PHOX2B):c.677C>T (p.Ala226Val)

Gene: PHOX2B (paired like homeobox 2B; minus strand). Cytogenetic location: 4p13.
Variant type: single nucleotide variant.
Coding change: c.677C>T on transcript NM_003924.4 (MANE Select); coding-DNA position 677, C replaced by T.
Protein change: p.Ala226Val; replaces alanine 226 with valine.
Molecular consequence: missense variant.
Genome position (GRCh38, 1-based): chr4:41,746,075, G>A on the plus strand (C>T on the coding strand, the complement: PHOX2B is on the minus strand). VCF-style: chr4-41746075-G-A. GRCh37 (hg19) VCF-style: chr4-41748092-G-A.
Other names: short protein forms A226V.
Identifiers: ClinVar variation 938930 (VCV000938930.10), dbSNP rs926554947, ClinGen allele CA356737422.

ClinVar aggregate classification (germline): Uncertain significance. Review status: criteria provided, multiple submitters, no conflicts (2 of 4 stars). 2 submissions from 2 submitters: Uncertain significance (2). Last evaluated 2026-05-13.

Conditions:
Hereditary cancer-predisposing syndrome. Also called: Hereditary Cancer Syndrome; Neoplastic Syndromes, Hereditary; Tumor predisposition; Hereditary neoplastic syndrome. Identifiers: Orphanet 140162, MedGen C0027672, MeSH D009386, MONDO:0015356.
Haddad syndrome (OHD). Also called: Ondine-Hirschsprung disease. Identifiers: Orphanet 99803, MedGen C1859049, MONDO:0020493.

Submissions (2):

Ambry Genetics
Classification: Uncertain significance for Hereditary cancer-predisposing syndrome. Last evaluated: 2026-05-13. Review status: criteria provided, single submitter. Criteria: Ambry Variant Classification Scheme 2023. Collection method: clinical testing. Allele origin: germline.
Comment: The p.A226V variant (also known as c.677C>T), located in coding exon 3 of the PHOX2B gene, results from a C to T substitution at nucleotide position 677. The alanine at codon 226 is replaced by valine, an amino acid with similar properties. This amino acid position is not well conserved in available vertebrate species. In addition, this alteration is predicted to be tolerated by in silico analysis. Based on the available evidence, the clinical significance of this variant remains unclear.

Labcorp Genetics (formerly Invitae), Labcorp
Classification: Uncertain significance for Haddad syndrome. Last evaluated: 2023-03-23. Review status: criteria provided, single submitter. Criteria: Invitae Variant Classification Sherloc (09022015). Collection method: clinical testing. Allele origin: germline.
Comment: This sequence change replaces alanine, which is neutral and non-polar, with valine, which is neutral and non-polar, at codon 226 of the PHOX2B protein (p.Ala226Val). This variant is not present in population databases (gnomAD no frequency). This variant has not been reported in the literature in individuals affected with PHOX2B-related conditions. ClinVar contains an entry for this variant (Variation ID: 938930). Advanced modeling of protein sequence and biophysical properties (such as structural, functional, and spatial information, amino acid conservation, physicochemical variation, residue mobility, and thermodynamic stability) performed at Invitae indicates that this missense variant is not expected to disrupt PHOX2B protein function. In summary, the available evidence is currently insufficient to determine the role of this variant in disease. Therefore, it has been classified as a Variant of Uncertain Significance.